The following is an entry in ClinVar:

NM_013276.4(SHPK):c.921C>T (p.Phe307=)

Gene: SHPK (sedoheptulokinase; minus strand). Cytogenetic location: 17p13.2.
Variant type: single nucleotide variant.
Coding change: c.921C>T on transcript NM_013276.4 (MANE Select); coding-DNA position 921, C replaced by T.
Protein change: p.Phe307=; no amino-acid change (phenylalanine 307 retained).
Molecular consequence: synonymous variant.
Genome position (GRCh38, 1-based): chr17:3,615,440, G>A on the plus strand (C>T on the coding strand, the complement: SHPK is on the minus strand). VCF-style: chr17-3615440-G-A. GRCh37 (hg19) VCF-style: chr17-3518734-G-A.
Identifiers: ClinVar variation 4822820 (VCV004822820.4).

ClinVar aggregate classification (germline): Likely benign (1 of 4 stars; one submission).

Submission:

CeGaT Center for Human Genetics Tuebingen
Classification: Likely benign. Last evaluated: 2026-03-01. Review status: criteria provided, single submitter. Criteria: CeGaT Center For Human Genetics Tuebingen Variant Classification Criteria Version 2. Collection method: clinical testing. Allele origin: germline. Affected: yes. Observed: 1 variant allele.
Comment: SHPK: PM2:Supporting, BP4, BP7